The following is an entry in ClinVar:

ClinVar aggregate classification (germline): Uncertain significance (1 of 4 stars; one submission).

Submission:

Labcorp Genetics (formerly Invitae), Labcorp
Classification: Uncertain significance. Last evaluated: 2024-10-16. Review status: criteria provided, single submitter. Criteria: Invitae Variant Classification Sherloc (09022015). Collection method: clinical testing. Allele origin: germline.
Comment: This sequence change replaces threonine, which is neutral and polar, with alanine, which is neutral and non-polar, at codon 2788 of the SPEG protein (p.Thr2788Ala). This variant is not present in population databases (gnomAD no frequency). This variant has not been reported in the literature in individuals affected with SPEG-related conditions. ClinVar contains an entry for this variant (Variation ID: 1922968). An algorithm developed to predict the effect of missense changes on protein structure and function (PolyPhen-2) suggests that this variant is likely to be tolerated. In summary, the available evidence is currently insufficient to determine the role of this variant in disease. Therefore, it has been classified as a Variant of Uncertain Significance.

NM_005876.5(SPEG):c.8362A>G (p.Thr2788Ala)

Genes: ASIC4-AS1 (ASIC4 antisense RNA 1; minus strand), SPEG (striated muscle enriched protein kinase; plus strand). Cytogenetic location: 2q35.
Variant type: single nucleotide variant.
Coding change: c.8362A>G on transcript NM_005876.5 (MANE Select); coding-DNA position 8362, A replaced by G.
Protein change: p.Thr2788Ala; replaces threonine 2788 with alanine.
Molecular consequence: missense variant.
Genome position (GRCh38, 1-based): chr2:219,489,380, A>G. VCF-style: chr2-219489380-A-G. GRCh37 (hg19) VCF-style: chr2-220354102-A-G.
Other names: short protein forms T2788A.
Identifiers: ClinVar variation 1922968 (VCV001922968.5), dbSNP rs950547798, ClinGen allele CA65997153.